The following is an entry in ClinVar:

ClinVar aggregate classification (germline): Benign/Likely benign. Review status: criteria provided, multiple submitters, no conflicts (2 of 4 stars). 6 submissions from 6 submitters: Benign (1); Likely benign (4). 1 of the submissions does not count toward it. Last evaluated 2025-09-01.

Conditions:
MSH6-related disorder. Also called: MSH6-related condition; MSH6-Related disorders.
Hereditary nonpolyposis colorectal neoplasms. Identifiers: MedGen C0009405, MeSH D003123.
Hereditary cancer-predisposing syndrome. Also called: Hereditary Cancer Syndrome; Neoplastic Syndromes, Hereditary; Tumor predisposition; Hereditary neoplastic syndrome. Identifiers: Orphanet 140162, MedGen C0027672, MeSH D009386, MONDO:0015356.
Lynch syndrome 5 (LYNCH5). Also called: Colorectal cancer, hereditary nonpolyposis, type 5; Hereditary non-polyposis colorectal cancer, type 5. Identifiers: Orphanet 144, MedGen C1833477, MONDO:0013710, OMIM 614350. Disease mechanism: loss of function.

Submissions (6):

Color Diagnostics, LLC DBA Color Health
Classification: Likely benign for Hereditary cancer-predisposing syndrome. Last evaluated: 2025-09-01. Review status: criteria provided, single submitter. Criteria: ACMG Guidelines, 2015. Collection method: clinical testing. Allele origin: germline.

Labcorp Genetics (formerly Invitae), Labcorp
Classification: Likely benign for Hereditary nonpolyposis colorectal neoplasms. Last evaluated: 2025-01-19. Review status: criteria provided, single submitter. Criteria: Invitae Variant Classification Sherloc (09022015). Collection method: clinical testing. Allele origin: germline.

Myriad Genetics, Inc.
Classification: Benign for Lynch syndrome 5. Last evaluated: 2024-12-30. Review status: criteria provided, single submitter. Criteria: Myriad Autosomal Dominant, Autosomal Recessive and X-Linked Classification Criteria (2023). Collection method: clinical testing. Allele origin: unknown.
Comment: This variant is considered benign. This variant is a silent/synonymous amino acid change and it is not expected to impact splicing.

GeneDx
Classification: Likely benign. Last evaluated: 2018-01-24. Review status: criteria provided, single submitter. Criteria: GeneDx Variant Classification (06012015). Collection method: clinical testing. Allele origin: germline. Affected: yes.
Comment: This variant is considered likely benign or benign based on one or more of the following criteria: it is a conservative change, it occurs at a poorly conserved position in the protein, it is predicted to be benign by multiple in silico algorithms, and/or has population frequency not consistent with disease.

Ambry Genetics
Classification: Likely benign for Hereditary cancer-predisposing syndrome. Last evaluated: 2015-10-11. Review status: criteria provided, single submitter. Criteria: Ambry Variant Classification Scheme 2023. Collection method: clinical testing. Allele origin: germline.

PreventionGenetics, part of Exact Sciences
Classification: Likely benign for MSH6-related condition. Last evaluated: 2023-08-18. Review status: no assertion criteria provided. Collection method: clinical testing. Allele origin: germline. Not counted in ClinVar's aggregate classification.
Comment: This variant is classified as likely benign based on ACMG/AMP sequence variant interpretation guidelines (Richards et al. 2015 PMID: 25741868, with internal and published modifications).

NM_000179.3(MSH6):c.2010G>A (p.Gly670=)

Gene: MSH6 (mutS homolog 6; plus strand). Cytogenetic location: 2p16.3.
Variant type: single nucleotide variant.
Coding change: c.2010G>A on transcript NM_000179.3 (MANE Select); coding-DNA position 2010, G replaced by A.
Protein change: p.Gly670=; no amino-acid change (glycine 670 retained).
Molecular consequence: synonymous variant.
Genome position (GRCh38, 1-based): chr2:47,799,993, G>A. VCF-style: chr2-47799993-G-A. GRCh37 (hg19) VCF-style: chr2-48027132-G-A.
Other names: c.1620G>A, p.Gly540= (NM_001281492.2); c.1104G>A, p.Gly368= (NM_001281493.2, NM_001281494.2).
Identifiers: ClinVar variation 512303 (VCV000512303.14), dbSNP rs1553413390, ClinGen allele CA426121313.